The following is an entry in ClinVar:

NM_201525.4(ADGRG1):c.900+1del

Gene: ADGRG1 (adhesion G protein-coupled receptor G1; plus strand). Cytogenetic location: 16q21.
Variant type: Deletion.
Coding change: c.900+1del on transcript NM_201525.4 (MANE Select); the canonical splice donor site of the intron after coding-DNA position 900, one base deleted (G; older notation c.900+1delG).
Molecular consequence: splice donor variant.
Genome position (GRCh38, 1-based): chr16:57,655,531, G deleted; the last of 2 consecutive G bases (chr16:57,655,530-57,655,531); deleting either gives the same sequence. VCF-style (leftmost placement, unchanged base first): chr16-57655529-AG-A. GRCh37 (hg19) VCF-style: chr16-57689441-AG-A.
Other names: c.900+1del (NM_001370440.1, NM_001370428.1, NM_001370436.1 and 16 more transcripts); c.390+1del (NM_001290142.2); c.375+1del (NM_001370451.1, NM_001290143.2, NM_001370453.1 and 2 more transcripts); c.744+1del (NM_001370442.1); c.915+1del (NM_001370433.1, NM_001145773.3).
Identifiers: ClinVar variation 1068553 (VCV001068553.7), dbSNP rs2148412722, ClinGen allele CA2499223610.
Genomic context (GRCh38, chr16:57,655,529, plus strand): 5'-GGAGCGGGGAGGCTGAGAAGAGACTCCTCCTGGTGGACTTCAGCAGCCAAGCCCTGTTCC[AG>A]GTATGGGGTCCTCACCCTCATGCCTCCCAGGAGAAAGCAGTTTTTTTCTGACAGAGGTGG-3'

ClinVar aggregate classification (germline): Pathogenic (1 of 4 stars; one submission).

Submission:

Labcorp Genetics (formerly Invitae), Labcorp
Classification: Pathogenic. Last evaluated: 2020-06-30. Review status: criteria provided, single submitter. Criteria: Invitae Variant Classification Sherloc (09022015). Collection method: clinical testing. Allele origin: germline.
Comment: For these reasons, this variant has been classified as Pathogenic. Loss-of-function variants in ADGRG1 are known to be pathogenic (PMID: 15044805, 20929962). Algorithms developed to predict the effect of sequence changes on RNA splicing suggest that this variant may disrupt the consensus splice site, but this prediction has not been confirmed by published transcriptional studies. This variant has not been reported in the literature in individuals with ADGRG1-related conditions. This variant is not present in population databases (ExAC no frequency). This sequence change creates a premature translational stop signal (p.Asp301Thrfs*22) in the ADGRG1 gene. It is expected to result in an absent or disrupted protein product.

Literature cited by the submitters: PubMed 15044805; PubMed 20929962.